The following is an entry in ClinVar:

ClinVar aggregate classification (germline): Uncertain significance (1 of 4 stars; one submission).

Submission:

GeneDx
Classification: Uncertain significance. Last evaluated: 2023-10-05. Review status: criteria provided, single submitter. Criteria: GeneDx Variant Classification Process June 2021. Collection method: clinical testing. Allele origin: germline. Affected: yes.
Comment: Not observed at significant frequency in large population cohorts (gnomAD); In silico analysis supports that this missense variant has a deleterious effect on protein structure/function; Has not been previously published as pathogenic or benign to our knowledge

NM_006267.5(RANBP2):c.8684A>T (p.Glu2895Val)

Gene: RANBP2 (RAN binding protein 2; plus strand). Cytogenetic location: 2q13.
Variant type: single nucleotide variant.
Coding change: c.8684A>T on transcript NM_006267.5 (MANE Select); coding-DNA position 8684, A replaced by T.
Protein change: p.Glu2895Val; replaces glutamic acid 2895 with valine.
Molecular consequence: missense variant.
Genome position (GRCh38, 1-based): chr2:108,781,353, A>T. VCF-style: chr2-108781353-A-T. GRCh37 (hg19) VCF-style: chr2-109397809-A-T.
Other names: c.8762A>T, p.Glu2921Val (NM_001415871.1); c.8681A>T, p.Glu2894Val (NM_001415872.1); c.8708A>T, p.Glu2903Val (NM_001415873.1); short protein forms E2894V, E2895V, E2903V, E2921V.
Identifiers: ClinVar variation 3252871 (VCV003252871.1), dbSNP rs2467751848.